The following is an entry in ClinVar:

NM_021729.6(VPS11):c.908C>T (p.Ser303Leu)

Gene: VPS11 (VPS11 core subunit of CORVET and HOPS complexes; plus strand). Cytogenetic location: 11q23.3.
Variant type: single nucleotide variant.
Coding change: c.908C>T on transcript NM_021729.6 (MANE Select); coding-DNA position 908, C replaced by T.
Protein change: p.Ser303Leu; replaces serine 303 with leucine.
Molecular consequence: missense variant. On other transcripts: non-coding transcript variant (7).
Genome position (GRCh38, 1-based): chr11:119,073,221, C>T. VCF-style: chr11-119073221-C-T. GRCh37 (hg19) VCF-style: chr11-118943931-C-T.
Other names: c.878C>T, p.Ser293Leu (NM_001290185.2); c.920C>T, p.Ser307Leu (NM_001378218.1); c.908C>T, p.Ser303Leu (NM_001378219.1, NM_001378220.1); c.890C>T, p.Ser297Leu (NM_001378221.1); short protein forms S293L, S297L, S303L, S307L.
Identifiers: ClinVar variation 3608328 (VCV003608328.2).

ClinVar aggregate classification (germline): Uncertain significance (1 of 4 stars; one submission).

gnomAD v4.1: 5 of 1,613,354 alleles (0.00031%); highest among the groups gnomAD compares: Non-Finnish European, 0.00042%; no homozygotes.

Submission:

Labcorp Genetics (formerly Invitae), Labcorp
Classification: Uncertain significance. Last evaluated: 2024-03-31. Review status: criteria provided, single submitter. Criteria: Invitae Variant Classification Sherloc (09022015). Collection method: clinical testing. Allele origin: germline.
Comment: This sequence change replaces serine, which is neutral and polar, with leucine, which is neutral and non-polar, at codon 303 of the VPS11 protein (p.Ser303Leu). This variant is present in population databases (rs782123369, gnomAD 0.002%). This variant has not been reported in the literature in individuals affected with VPS11-related conditions. Advanced modeling of protein sequence and biophysical properties (such as structural, functional, and spatial information, amino acid conservation, physicochemical variation, residue mobility, and thermodynamic stability) performed at Invitae indicates that this missense variant is not expected to disrupt VPS11 protein function with a negative predictive value of 80%. In summary, the available evidence is currently insufficient to determine the role of this variant in disease. Therefore, it has been classified as a Variant of Uncertain Significance.